The following is an entry in ClinVar:

ClinVar aggregate classification (germline): Uncertain significance (1 of 4 stars; one submission).

Submission:

Labcorp Genetics (formerly Invitae), Labcorp
Classification: Uncertain significance. Last evaluated: 2024-07-08. Review status: criteria provided, single submitter. Criteria: Invitae Variant Classification Sherloc (09022015). Collection method: clinical testing. Allele origin: germline.
Comment: This sequence change replaces lysine, which is basic and polar, with threonine, which is neutral and polar, at codon 489 of the KIF2A protein (p.Lys489Thr). This variant is not present in population databases (gnomAD no frequency). This variant has not been reported in the literature in individuals affected with KIF2A-related conditions. An algorithm developed to predict the effect of missense changes on protein structure and function (PolyPhen-2) suggests that this variant is likely to be disruptive. Algorithms developed to predict the effect of sequence changes on RNA splicing suggest that this variant may disrupt the consensus splice site. In summary, the available evidence is currently insufficient to determine the role of this variant in disease. Therefore, it has been classified as a Variant of Uncertain Significance.

NM_001098511.3(KIF2A):c.1466A>C (p.Lys489Thr)

Gene: KIF2A (kinesin family member 2A; plus strand). Cytogenetic location: 5q12.1.
Variant type: single nucleotide variant.
Coding change: c.1466A>C on transcript NM_001098511.3 (MANE Select); coding-DNA position 1466, A replaced by C.
Protein change: p.Lys489Thr; replaces lysine 489 with threonine.
Molecular consequence: missense variant.
Genome position (GRCh38, 1-based): chr5:62,363,898, A>C. VCF-style: chr5-62363898-A-C. GRCh37 (hg19) VCF-style: chr5-61659725-A-C.
Other names: c.1385A>C, p.Lys462Thr (NM_001243952.2); c.1409A>C, p.Lys470Thr (NM_001243953.2); c.1466A>C, p.Lys489Thr (NM_004520.5); short protein forms K489T, K470T, K462T.
Identifiers: ClinVar variation 3652988 (VCV003652988.2).